The following is an entry in ClinVar:

NM_000051.4(ATM):c.8082A>C (p.Gly2694=)

Genes: ATM (ATM serine/threonine kinase; plus strand), C11orf65 (chromosome 11 open reading frame 65; minus strand). Cytogenetic location: 11q22.3.
Variant type: single nucleotide variant.
Coding change: c.8082A>C on transcript NM_000051.4 (MANE Select); coding-DNA position 8082, A replaced by C.
Protein change: p.Gly2694=; no amino-acid change (glycine 2694 retained).
Molecular consequence: synonymous variant. On other transcripts: intron variant (2).
Genome position (GRCh38, 1-based): chr11:108,335,040, A>C. VCF-style: chr11-108335040-A-C. GRCh37 (hg19) VCF-style: chr11-108205767-A-C.
Other names: c.8082A>C, p.Gly2694= (NM_001351834.2); c.641-25969T>G (NM_001330368.2); c.*38+180T>G (NM_001351110.2).
Identifiers: ClinVar variation 377521 (VCV000377521.20), dbSNP rs540266635, ClinGen allele CA6266270.
Genomic context (GRCh38, chr11:108,335,040, plus strand): 5'-AGGAGAATATGGAAATCTGGTGACTATACAGTCATTTAAAGCAGAATTTCGCTTAGCAGG[A>C]GGTGTAAATTTACCAAAAATAATAGATTGTGTAGGTTCCGATGGCAAGGAGAGGAGACAG-3'
Protein context (NP_000042.3, residues 2684-2704): QSFKAEFRLA[Gly2694=]GVNLPKIIDC

ClinVar aggregate classification (germline): Benign/Likely benign. Review status: criteria provided, multiple submitters, no conflicts (2 of 4 stars). 7 submissions from 7 submitters: Benign (1); Likely benign (5). 1 of the submissions does not count toward it. Last evaluated 2026-01-31.

Conditions:
Familial cancer of breast. Also called: hereditary breast carcinoma; Hereditary breast cancer; BREAST CANCER, FAMILIAL. Identifiers: Orphanet 227535, MedGen C0346153, MONDO:0016419, OMIM 114480. Disease mechanism: loss of function.
Hereditary cancer-predisposing syndrome. Also called: Neoplastic Syndromes, Hereditary; Hereditary neoplastic syndrome; Hereditary Cancer Syndrome; Tumor predisposition. Identifiers: Orphanet 140162, MedGen C0027672, MeSH D009386, MONDO:0015356.
Ataxia-telangiectasia syndrome (AT). Also called: Ataxia-telangiectasia, complementation group D; Ataxia-telangiectasia, complementation group E; LOUIS-BAR SYNDROME; AT, COMPLEMENTATION GROUP C; ATAXIA-TELANGIECTASIA, COMPLEMENTATION GROUP A; ATAXIA-TELANGIECTASIA, FRESNO VARIANT. Identifiers: Orphanet 100, MedGen C0004135, MONDO:0008840, OMIM 208900.

Allele frequency attached by ClinVar (database versions not stated): gnomAD below 0.00001 and 0.00003; gnomAD exomes 0.00006 and 0.00012; 1000 Genomes Project 0.00020; ExAC 0.00011; 1000 Genomes Project 30x 0.00031.
gnomAD v4.1: 95 of 1,614,100 alleles (0.0059%); highest among the groups gnomAD compares: South Asian, 0.1%; no homozygotes.

Submissions (7):

Labcorp Genetics (formerly Invitae), Labcorp
Classification: Likely benign for Ataxia-telangiectasia syndrome. Last evaluated: 2026-01-31. Review status: criteria provided, single submitter. Criteria: Invitae Variant Classification Sherloc (09022015). Collection method: clinical testing. Allele origin: germline.

Myriad Genetics, Inc.
Classification: Benign for Familial cancer of breast. Last evaluated: 2024-06-18. Review status: criteria provided, single submitter. Criteria: Myriad Autosomal Dominant, Autosomal Recessive and X-Linked Classification Criteria (2023). Collection method: clinical testing. Allele origin: unknown.
Comment: This variant is considered benign. This variant is a silent/synonymous amino acid change and it is not expected to impact splicing.

Sema4
Classification: Likely benign for Hereditary cancer-predisposing syndrome. Last evaluated: 2020-10-12. Review status: criteria provided, single submitter. Criteria: Sema4 Curation Guidelines. Collection method: curation. Allele origin: germline.

Ambry Genetics
Classification: Likely benign for Hereditary cancer-predisposing syndrome. Last evaluated: 2018-04-06. Review status: criteria provided, single submitter. Criteria: Ambry Variant Classification Scheme 2023. Collection method: clinical testing. Allele origin: germline.

Color Diagnostics, LLC DBA Color Health
Classification: Likely benign for Hereditary cancer-predisposing syndrome. Last evaluated: 2017-11-22. Review status: criteria provided, single submitter. Criteria: ACMG Guidelines, 2015. Collection method: clinical testing. Allele origin: germline.

GeneDx
Classification: Likely benign. Last evaluated: 2016-11-28. Review status: criteria provided, single submitter. Criteria: GeneDx Variant Classification (06012015). Collection method: clinical testing. Allele origin: germline. Affected: yes.
Comment: This variant is considered likely benign or benign based on one or more of the following criteria: it is a conservative change, it occurs at a poorly conserved position in the protein, it is predicted to be benign by multiple in silico algorithms, and/or has population frequency not consistent with disease.

Department of Pathology and Laboratory Medicine, Sinai Health System
Classification: Likely benign for Ataxia-telangiectasia syndrome. Review status: no assertion criteria provided. Collection method: clinical testing. Allele origin: unknown. Affected: yes. Study: The Canadian Open Genetics Repository (COGR). Not counted in ClinVar's aggregate classification.
Comment: The ATM p.Gly2694= variant was identified in 1 of 26174 proband chromosomes (frequency: 3.8E-05) from individuals or families with breast cancer and was was present in 2 of 10976 control chromosomes (frequency: 0.0002) from healthy individuals (Decker 2017). The variant was also identified in dbSNP (ID: rs540266635) as "with Likely benign allele" and in ClinVar (3x as likely benign by GeneDx, Invitae and one other submitter). It was not identified in the LOVD 3.0 database. The variant was identified in control databases in 29 of 246042 chromosomes at a frequency of 0.0001 increasing the likelihood this could be a low frequency benign variant (Genome Aggregation Database Feb 27, 2017). The variant was observed in the following populations: Other in 1 of 5478 chromosomes (freq: 0.0002), and South Asian in 28 of 30782 chromosomes (freq: 0.0009), while the variant was not observed in the African, Latino, European, Ashkenazi Jewish, East Asian or Finnish populations. The p.Gly2694= variant is not expected to have clinical significance because it does not result in a change of amino acid and is not located in a known consensus splice site. In addition, in silico or computational prediction software programs (SpliceSiteFinder, MaxEntScan, NNSPLICE, GeneSplicer) do not predict a difference in splicing. In summary, based on the above information the clinical significance of this variant cannot be determined with certainty at this time although we would lean towards a more benign role for this variant. This variant is classified as likely benign.